The following is an entry in ClinVar:

NM_001289125.3(IFNAR2):c.626_627del (p.Ser209fs)

Genes: IFNAR2 (interferon alpha and beta receptor subunit 2; plus strand), IFNAR2-IL10RB (IFNAR2-IL10RB readthrough; plus strand). Cytogenetic location: 21q22.11.
Variant type: Deletion.
Coding change: c.626_627del on transcript NM_001289125.3 (MANE Select); coding-DNA positions 626 to 627, 2 bases deleted (CT; older notation c.626_627delCT).
Protein change: p.Ser209fs; shifts the reading frame from serine 209.
Molecular consequence: frameshift variant.
Genome position (GRCh38, 1-based): chr21:33,252,747-33,252,748, CT deleted; deleting any 2 consecutive bases within chr21:33,252,746-33,252,748 gives the same sequence; the c. name uses the placement nearest the transcript's 3' end. VCF-style (leftmost placement, unchanged base first): chr21-33252745-ATC-A. GRCh37 (hg19) VCF-style: chr21-34625050-ATC-A.
Other names: c.626_627del, p.Ser209fs (NM_001414505.1, NM_000874.5, NM_001289126.2 and 5 more transcripts); short protein forms S209fs.
Identifiers: ClinVar variation 2867111 (VCV002867111.3), dbSNP rs761669332, ClinGen allele CA10005728.

ClinVar aggregate classification (germline): Pathogenic (1 of 4 stars; one submission).

Submission:

Labcorp Genetics (formerly Invitae), Labcorp
Classification: Pathogenic. Last evaluated: 2025-08-14. Review status: criteria provided, single submitter. Criteria: Invitae Variant Classification Sherloc (09022015). Collection method: clinical testing. Allele origin: germline.
Comment: This sequence change creates a premature translational stop signal (p.Ser209Cysfs*7) in the IFNAR2 gene. It is expected to result in an absent or disrupted protein product. Loss-of-function variants in IFNAR2 are known to be pathogenic (PMID: 26424569, 33193576). This variant is present in population databases (rs761669332, gnomAD 0.0009%). This variant has not been reported in the literature in individuals affected with IFNAR2-related conditions. ClinVar contains an entry for this variant (Variation ID: 2867111). For these reasons, this variant has been classified as Pathogenic.

Literature cited by the submitters: PubMed 26424569; PubMed 33193576.